The following is an entry in ClinVar:

NM_004370.6(COL12A1):c.8336G>A (p.Arg2779His)

Gene: COL12A1 (collagen type XII alpha 1 chain; minus strand). Cytogenetic location: 6q13.
Variant type: single nucleotide variant.
Coding change: c.8336G>A on transcript NM_004370.6 (MANE Select); coding-DNA position 8336, G replaced by A.
Protein change: p.Arg2779His; replaces arginine 2779 with histidine.
Molecular consequence: missense variant.
Genome position (GRCh38, 1-based): chr6:75,102,676, C>T on the plus strand (G>A on the coding strand, the complement: COL12A1 is on the minus strand). VCF-style: chr6-75102676-C-T. GRCh37 (hg19) VCF-style: chr6-75812392-C-T.
Other names: p.Arg2779His; c.4844G>A, p.Arg1615His (NM_080645.3); short protein forms R2779H, R1615H.
Identifiers: ClinVar variation 579591 (VCV000579591.20), dbSNP rs190917891, ClinGen allele CA3892302.

ClinVar aggregate classification (germline): Conflicting classifications of pathogenicity. Review status: criteria provided, conflicting classifications (1 of 4 stars). 7 submissions from 7 submitters: Uncertain significance (6); Likely benign (1). Last evaluated 2026-02-01.

Conditions:
COL12A1-related disorder. Also called: COL12A1-related condition.
Ullrich congenital muscular dystrophy 2 (UCMD2). Identifiers: Orphanet 75840, MedGen C4225314, MONDO:0014654, OMIM 616470.
Bethlem myopathy 2 (BTHLM2). Identifiers: Orphanet 536516, Orphanet 610, MedGen C4225313, MONDO:0034022, OMIM 616471.

Allele frequency attached by ClinVar (database versions not stated): gnomAD exomes 0.00007; ExAC 0.00008; TOPMed 0.00013; gnomAD 0.00015 and 0.00017; ESP Exome Variant Server 0.00017; 1000 Genomes Project 0.00020; 1000 Genomes Project 30x 0.00031.

Submissions (7):

Labcorp Genetics (formerly Invitae), Labcorp
Classification: Likely benign for Bethlem myopathy 2; Ullrich congenital muscular dystrophy 2. Last evaluated: 2026-02-01. Review status: criteria provided, single submitter. Criteria: Invitae Variant Classification Sherloc (09022015). Collection method: clinical testing. Allele origin: germline.

Women's Health and Genetics/Laboratory Corporation of America, LabCorp
Classification: Uncertain significance. Last evaluated: 2025-12-19. Review status: criteria provided, single submitter. Criteria: LabCorp Variant Classification Summary - May 2015. Collection method: clinical testing. Allele origin: germline.
Comment: Variant summary: COL12A1 c.8336G>A (p.Arg2779His) results in a non-conservative amino acid change in the encoded protein sequence. Algorithms developed to predict the effect of missense changes on protein structure and function are either unavailable or do not agree on the potential impact of this missense change. The variant allele was found at a frequency of 6.7e-05 in 208902 control chromosomes. This frequency is not significantly higher than estimated for disease-causing variants in COL12A1, allowing no conclusion about variant significance. c.8336G>A has been observed in heterozygous individual(s) affected with joint hypermobility (Araujo_2021, Leone_2023). These reports do not provide unequivocal conclusions about association of the variant with Ullrich congenital muscular dystrophy 2. To our knowledge, no experimental evidence demonstrating an impact on protein function has been reported. The following publications have been ascertained in the context of this evaluation (PMID: 33129849, 37079061). ClinVar contains an entry for this variant (Variation ID: 579591). Based on the evidence outlined above, the variant was classified as uncertain significance.

PreventionGenetics, part of Exact Sciences
Classification: Uncertain significance for COL12A1-related condition. Last evaluated: 2025-10-19. Review status: criteria provided, single submitter. Criteria: ACMG Guidelines, 2015. Collection method: clinical testing. Allele origin: germline.
Comment: The COL12A1 c.8336G>A variant is predicted to result in the amino acid substitution p.Arg2779His. This variant was reported in an individual with joint hypermobility and upper muscle weakness (Araújo et al. 2021. PubMed ID: 33129849) and in a second individual with joint hypermobility and was classified as uncertain (Supplementary file3 in Leone et al. 2023. PubMed ID: 37079061). This variant is reported in 0.014% of alleles in individuals of African descent in gnomAD. At this time, the clinical significance of this variant is uncertain due to the absence of conclusive functional and genetic evidence.

Mayo Clinic Laboratories, Mayo Clinic
Classification: Uncertain significance. Last evaluated: 2025-09-09. Review status: criteria provided, single submitter. Criteria: ACMG Guidelines, 2015. Collection method: clinical testing. Allele origin: germline. Observed: 2 variant alleles.

Revvity Omics, Revvity
Classification: Uncertain significance. Last evaluated: 2024-03-18. Review status: criteria provided, single submitter. Criteria: ACMG Guidelines, 2015. Collection method: clinical testing. Allele origin: germline.

GeneDx
Classification: Uncertain significance. Last evaluated: 2023-12-07. Review status: criteria provided, single submitter. Criteria: GeneDx Variant Classification Process June 2021. Collection method: clinical testing. Allele origin: germline.
Comment: Has been reported in a patient with recurrent dislocations, hypermobility, and reduced muscle strength (PMID: 33129849); In silico analysis supports that this missense variant has a deleterious effect on protein structure/function; This variant is associated with the following publications: (PMID: 37079061, 33129849, 37353357)

Center for Genomics, Ann and Robert H. Lurie Children's Hospital of Chicago
Classification: Uncertain significance for Ullrich congenital muscular dystrophy 2; Bethlem myopathy 2. Review status: criteria provided, single submitter. Criteria: ACMG Guidelines, 2015. Collection method: clinical testing. Allele origin: germline.
Comment: COL12A1 NM_004370.5 exon 56 p.Arg2779His (c.8336G>A): This variant has not been reported in the literature but is present in 0.03% (13/41426) of African alleles in the Genome Aggregation Database. This variant is present in ClinVar (Variation ID:579591). Evolutionary conservation and computational predictive tools suggest that this variant may impact the protein. In summary, data on this variant is insufficient for disease classification. Therefore, the clinical significance of this variant is uncertain.

Literature cited by the submitters: PubMed 37079061 (cited by Women's Health and Genetics/Laboratory Corporation of America, LabCorp and Mayo Clinic Laboratories, Mayo Clinic); PubMed 33129849 (cited by Women's Health and Genetics/Laboratory Corporation of America, LabCorp and Mayo Clinic Laboratories, Mayo Clinic).